The following is an entry in ClinVar:

ClinVar aggregate classification (germline): Uncertain significance. Review status: criteria provided, multiple submitters, no conflicts (2 of 4 stars). 2 submissions from 2 submitters: Uncertain significance (2). Last evaluated 2023-09-21.

Allele frequency attached by ClinVar (database versions not stated): ESP Exome Variant Server 0.00015.
gnomAD v4.1: 487 of 1,608,526 alleles (0.03%); highest among the groups gnomAD compares: Non-Finnish European, 0.04%; no homozygotes.

Submissions (2):

GeneDx
Classification: Uncertain significance. Last evaluated: 2023-09-21. Review status: criteria provided, single submitter. Criteria: GeneDx Variant Classification Process June 2021. Collection method: clinical testing. Allele origin: germline. Affected: yes.
Comment: Has not been previously published as pathogenic or benign to our knowledge; In silico analysis supports that this missense variant does not alter protein structure/function

Labcorp Genetics (formerly Invitae), Labcorp
Classification: Uncertain significance. Last evaluated: 2022-05-12. Review status: criteria provided, single submitter. Criteria: Invitae Variant Classification Sherloc (09022015). Collection method: clinical testing. Allele origin: germline.
Comment: This sequence change replaces aspartic acid, which is acidic and polar, with asparagine, which is neutral and polar, at codon 613 of the GNPAT protein (p.Asp613Asn). This variant is present in population databases (rs145600712, gnomAD 0.02%). This variant has not been reported in the literature in individuals affected with GNPAT-related conditions. Algorithms developed to predict the effect of missense changes on protein structure and function output the following: SIFT: "Tolerated"; PolyPhen-2: "Benign"; Align-GVGD: "Class C0". The asparagine amino acid residue is found in multiple mammalian species, which suggests that this missense change does not adversely affect protein function. In summary, the available evidence is currently insufficient to determine the role of this variant in disease. Therefore, it has been classified as a Variant of Uncertain Significance.

NM_014236.4(GNPAT):c.1837G>A (p.Asp613Asn)

Gene: GNPAT (glyceronephosphate O-acyltransferase; plus strand). Cytogenetic location: 1q42.2.
Variant type: single nucleotide variant.
Coding change: c.1837G>A on transcript NM_014236.4 (MANE Select); coding-DNA position 1837, G replaced by A.
Protein change: p.Asp613Asn; replaces aspartic acid 613 with asparagine.
Molecular consequence: missense variant.
Genome position (GRCh38, 1-based): chr1:231,275,314, G>A. VCF-style: chr1-231275314-G-A. GRCh37 (hg19) VCF-style: chr1-231411060-G-A.
Other names: c.1654G>A, p.Asp552Asn (NM_001316350.2); c.1837G>A (NM_014236.3); short protein forms D552N, D613N.
Identifiers: ClinVar variation 1475062 (VCV001475062.6), dbSNP rs145600712, ClinGen allele CA1452139.
Genomic context (GRCh38, chr1:231,275,314, plus strand): 5'-GACCACTTCAGTGAGGAACAGTACTTGGCTGCAGTCAGAAAATTCACAAGTCAGCTTCTC[G>A]ATCAAGGTCAGTCACTGCTCTGTGGGTGCTGATTTCTTTTAGTTGAGAATAGAAACTGGT-3'
Protein context (NP_055051.1, residues 603-623): AVRKFTSQLL[Asp613Asn]QGTSQCYDVL